The following is an entry in ClinVar:

ClinVar aggregate classification (germline): Conflicting classifications of pathogenicity. Review status: criteria provided, conflicting classifications (1 of 4 stars). 2 submissions from 2 submitters: Likely pathogenic (1); Uncertain significance (1). Last evaluated 2026-01-06.

Conditions:
Developmental and epileptic encephalopathy, 69. Also called: EPILEPTIC ENCEPHALOPATHY, EARLY INFANTILE, 69. Identifiers: MedGen C4748988, MONDO:0032657, OMIM 618285.

Submissions (2):

MVZ Medizinische Genetik Mainz
Classification: Likely pathogenic for Developmental and epileptic encephalopathy, 69. Last evaluated: 2026-01-06. Review status: criteria provided, single submitter. Criteria: UK Practice Guidelines For Variant Classification V4 01 2020. Collection method: clinical testing. Allele origin: germline. Inheritance: Autosomal dominant inheritance. Affected: yes. Observed: 1 variant allele.
Comment: ACMG Criteria: PP3_STR,PM2_SUP,PP2

Labcorp Genetics (formerly Invitae), Labcorp
Classification: Uncertain significance. Last evaluated: 2026-01-05. Review status: criteria provided, single submitter. Criteria: Invitae Variant Classification Sherloc (09022015). Collection method: clinical testing. Allele origin: germline.
Comment: This sequence change replaces valine, which is neutral and non-polar, with aspartic acid, which is acidic and polar, at codon 162 of the CACNA1E protein (p.Val162Asp). This variant is not present in population databases (gnomAD no frequency). This variant has not been reported in the literature in individuals affected with CACNA1E-related conditions. Invitae Evidence Modeling of protein sequence and biophysical properties (such as structural, functional, and spatial information, amino acid conservation, physicochemical variation, residue mobility, and thermodynamic stability) indicates that this missense variant is expected to disrupt CACNA1E protein function with a positive predictive value of 80%. In summary, the available evidence is currently insufficient to determine the role of this variant in disease. Therefore, it has been classified as a Variant of Uncertain Significance.

NM_001205293.3(CACNA1E):c.485T>A (p.Val162Asp)

Gene: CACNA1E (calcium voltage-gated channel subunit alpha1 E; plus strand). Cytogenetic location: 1q25.3.
Variant type: single nucleotide variant.
Coding change: c.485T>A on transcript NM_001205293.3 (MANE Select); coding-DNA position 485, T replaced by A.
Protein change: p.Val162Asp; replaces valine 162 with aspartic acid.
Molecular consequence: missense variant.
Genome position (GRCh38, 1-based): chr1:181,511,483, T>A. VCF-style: chr1-181511483-T-A. GRCh37 (hg19) VCF-style: chr1-181480619-T-A.
Other names: c.485T>A, p.Val162Asp (NM_000721.4, NM_001205294.2); short protein forms V162D.
Identifiers: ClinVar variation 4688164 (VCV004688164.2).